The following is an entry in ClinVar:

ClinVar aggregate classification (germline): Conflicting classifications of pathogenicity. Review status: criteria provided, conflicting classifications (1 of 4 stars). 2 submissions from 2 submitters: Uncertain significance (1); Likely benign (1). Last evaluated 2024-12-12.

Conditions:
Inborn genetic diseases. Identifiers: MedGen C0950123, MeSH D030342.

Allele frequency attached by ClinVar (database versions not stated): gnomAD exomes 0.00001; ExAC 0.00002; gnomAD 0.00002; TOPMed 0.00002; ESP Exome Variant Server 0.00017.
gnomAD v4.1: 13 of 1,611,552 alleles (0.00081%); highest among the groups gnomAD compares: Non-Finnish European, 0.001%; no homozygotes.

Submissions (2):

Ambry Genetics
Classification: Likely benign for Inborn genetic diseases. Last evaluated: 2024-12-12. Review status: criteria provided, single submitter. Criteria: Ambry Variant Classification Scheme 2023. Collection method: clinical testing. Allele origin: germline.

GeneDx
Classification: Uncertain significance. Last evaluated: 2022-10-11. Review status: criteria provided, single submitter. Criteria: GeneDx Variant Classification Process June 2021. Collection method: clinical testing. Allele origin: germline. Affected: yes.
Comment: Not observed at significant frequency in large population cohorts (gnomAD); In silico analysis supports that this variant does not alter splicing; Has not been previously published as pathogenic or benign to our knowledge

NM_014915.3(ANKRD26):c.1323A>G (p.Ala441=)

Gene: ANKRD26 (ankyrin repeat domain containing 26; minus strand). Cytogenetic location: 10p12.1.
Variant type: single nucleotide variant.
Coding change: c.1323A>G on transcript NM_014915.3 (MANE Select); coding-DNA position 1323, A replaced by G.
Protein change: p.Ala441=; no amino-acid change (alanine 441 retained).
Molecular consequence: synonymous variant.
Genome position (GRCh38, 1-based): chr10:27,064,028, T>C on the plus strand (A>G on the coding strand, the complement: ANKRD26 is on the minus strand). VCF-style: chr10-27064028-T-C. GRCh37 (hg19) VCF-style: chr10-27352957-T-C.
Other names: c.1323A>G, p.Ala441= (NM_001256053.2).
Identifiers: ClinVar variation 2499264 (VCV002499264.2), dbSNP rs369468997, ClinGen allele CA5448596.